The following is an entry in ClinVar:

NM_032119.4(ADGRV1):c.6277C>A (p.Pro2093Thr)

Gene: ADGRV1 (adhesion G protein-coupled receptor V1; plus strand). Cytogenetic location: 5q14.3.
Variant type: single nucleotide variant.
Coding change: c.6277C>A on transcript NM_032119.4 (MANE Select); coding-DNA position 6277, C replaced by A.
Protein change: p.Pro2093Thr; replaces proline 2093 with threonine.
Molecular consequence: missense variant. On other transcripts: non-coding transcript variant (1).
Genome position (GRCh38, 1-based): chr5:90,685,782, C>A. VCF-style: chr5-90685782-C-A. GRCh37 (hg19) VCF-style: chr5-89981599-C-A.
Other names: short protein forms P2093T.
Identifiers: ClinVar variation 1204340 (VCV001204340.10), dbSNP rs1745544798, ClinGen allele CA360362609.

ClinVar aggregate classification (germline): Uncertain significance. Review status: criteria provided, multiple submitters, no conflicts (2 of 4 stars). 3 submissions from 3 submitters: Uncertain significance (3). Last evaluated 2025-08-10.

Conditions:
Inborn genetic diseases. Identifiers: MedGen C0950123, MeSH D030342.

Allele frequency attached by ClinVar (database versions not stated): gnomAD exomes below 0.00001; TOPMed 0.00001.
gnomAD v4.1: 1 of 1,600,970 alleles (0.000062%); highest among the groups gnomAD compares: Admixed American, 0.0017%; no homozygotes.

Submissions (3):

Ambry Genetics
Classification: Uncertain significance for Inborn genetic diseases. Last evaluated: 2025-08-10. Review status: criteria provided, single submitter. Criteria: Ambry Variant Classification Scheme 2023. Collection method: clinical testing. Allele origin: germline.

Labcorp Genetics (formerly Invitae), Labcorp
Classification: Uncertain significance. Last evaluated: 2024-07-29. Review status: criteria provided, single submitter. Criteria: Invitae Variant Classification Sherloc (09022015). Collection method: clinical testing. Allele origin: germline.
Comment: This sequence change replaces proline, which is neutral and non-polar, with threonine, which is neutral and polar, at codon 2093 of the ADGRV1 protein (p.Pro2093Thr). This variant is not present in population databases (gnomAD no frequency). This missense change has been observed in individual(s) with retinitis pigmentosa (Invitae). ClinVar contains an entry for this variant (Variation ID: 1204340). An algorithm developed to predict the effect of missense changes on protein structure and function (PolyPhen-2) suggests that this variant is likely to be disruptive. In summary, the available evidence is currently insufficient to determine the role of this variant in disease. Therefore, it has been classified as a Variant of Uncertain Significance.

GeneDx
Classification: Uncertain significance. Last evaluated: 2021-07-06. Review status: criteria provided, single submitter. Criteria: GeneDx Variant Classification Process June 2021. Collection method: clinical testing. Allele origin: germline. Affected: yes.
Comment: Not observed at significant frequency in large population cohorts (Lek et al., 2016); In silico analysis supports that this missense variant has a deleterious effect on protein structure/function; Has not been previously published as pathogenic or benign to our knowledge